The following is an entry in ClinVar:

ClinVar aggregate classification (germline): Benign. Review status: criteria provided, multiple submitters, no conflicts (2 of 4 stars). 8 submissions from 8 submitters: Benign (7). 1 of the submissions does not count toward it. Last evaluated 2026-02-04.

Conditions:
Nemaline myopathy 2 (NEM2). Also called: Nemaline myopathy 2, autosomal recessive. Identifiers: MedGen C1850569, MONDO:0009725, OMIM 256030.

Allele frequency attached by ClinVar (database versions not stated): ESP Exome Variant Server 0.00016; gnomAD exomes 0.00145 and 0.00519; TOPMed 0.00309; gnomAD 0.00351; ExAC 0.00522; 1000 Genomes Project 30x 0.00999; 1000 Genomes Project 0.01118.
gnomAD v4.1: 2,598 of 1,605,246 alleles (0.16%); highest among the groups gnomAD compares: East Asian, 3.2%; 37 homozygotes.

Submissions (11):

Labcorp Genetics (formerly Invitae), Labcorp
Classification: Benign for Nemaline myopathy 2. Last evaluated: 2026-02-04. Review status: criteria provided, single submitter. Criteria: Invitae Variant Classification Sherloc (09022015). Collection method: clinical testing. Allele origin: germline.

Athena Diagnostics
Classification: Benign. Last evaluated: 2025-05-09. Review status: criteria provided, single submitter. Criteria: Athena Diagnostics Criteria. Collection method: clinical testing. Allele origin: unknown.
Comment: The frequency of this variant in the general population is higher than would generally be expected for pathogenic variants in this gene.

Illumina Laboratory Services, Illumina
Classification: Benign for Nemaline myopathy 2. Last evaluated: 2018-01-13. Review status: criteria provided, single submitter. Criteria: ICSL Variant Classification Criteria 13 December 2019. Collection method: clinical testing. Allele origin: germline.
Comment: This variant was observed in the ICSL laboratory as part of a predisposition screen in an ostensibly healthy population. It had not been previously curated by ICSL or reported in the Human Gene Mutation Database (HGMD: prior to June 1st, 2018), and was therefore a candidate for classification through an automated scoring system. Utilizing variant allele frequency, disease prevalence and penetrance estimates, and inheritance mode, an automated score was calculated to assess if this variant is too frequent to cause the disease. Based on the score and internal cut-off values, a variant classified as benign is not then subjected to further curation. The score for this variant resulted in a classification of benign for this disease.

Women's Health and Genetics/Laboratory Corporation of America, LabCorp
Classification: Benign. Last evaluated: 2017-04-24. Review status: criteria provided, single submitter. Criteria: LabCorp Variant Classification Summary - May 2015. Collection method: clinical testing. Allele origin: germline.
Comment: Variant summary: The NEB c.23009G>A (p.Gly7670Glu) variant involves the alteration of a conserved nucleotide. 2/3 in silico tools predict a damaging outcome for this variant (SNPsandGO not captured due to low reliability index). 4/5 splice prediction tools predict strenthening of the canonical splicing site. However, these predictions have yet to be confirmed by functional studies. This variant was found in 556/106474 control chromosomes (12 homozygotes), predominantly observed in the East Asian subpopulation at a frequency of 0.049128 (383/7796). This frequency is about 14 times the estimated maximal expected allele frequency of a pathogenic NEB variant (0.0035355), suggesting this is likely a benign polymorphism found primarily in the populations of East Asian origin. In addition, multiple clinical diagnostic laboratories/reputable databases classified this variant as benign/likely benign. The variant of interest has not, to our knowledge, been reported in affected individuals via publications and/or reputable databases/clinical diagnostic laboratories; nor evaluated for functional impact by in vivo/vitro studies. Taken together, this variant is classified as benign.

GeneDx
Classification: Benign. Last evaluated: 2016-07-08. Review status: criteria provided, single submitter. Criteria: GeneDx Variant Classification (06012015). Collection method: clinical testing. Allele origin: germline. Affected: yes.
Comment: This variant is considered likely benign or benign based on one or more of the following criteria: it is a conservative change, it occurs at a poorly conserved position in the protein, it is predicted to be benign by multiple in silico algorithms, and/or has population frequency not consistent with disease.

Eurofins Ntd Llc (ga)
Classification: Benign. Last evaluated: 2015-02-13. Review status: criteria provided, single submitter. Criteria: EGL Classification Definitions 2015. Collection method: clinical testing. Allele origin: germline. Observed: 2 variant alleles, 2 heterozygotes.

PreventionGenetics, part of Exact Sciences
Classification: Benign. Review status: criteria provided, single submitter. Criteria: ACMG Guidelines, 2015. Collection method: clinical testing. Allele origin: germline.

Natera, Inc.
Classification: Benign for Nemaline myopathy type 2. Last evaluated: 2020-09-16. Review status: no assertion criteria provided. Collection method: clinical testing. Allele origin: germline. Not counted in ClinVar's aggregate classification.

Dr. Peter K. Rogan Lab, Western University
No classification provided (evidence only). Condition: Thyroid cancer, nonmedullary, 1. Review status: no classification provided. Collection method: in vitro. Allele origin: not applicable. Functional consequence: retained intron. Not counted in ClinVar's aggregate classification.

Dr. Peter K. Rogan Lab, Western University
No classification provided (evidence only). Condition: Hepatocellular carcinoma. Review status: no classification provided. Collection method: in vitro. Allele origin: not applicable. Functional consequence: retained intron. Not counted in ClinVar's aggregate classification.

Dr. Peter K. Rogan Lab, Western University
No classification provided (evidence only). Condition: Malignant tumor of esophagus. Review status: no classification provided. Collection method: in vitro. Allele origin: not applicable. Functional consequence: retained intron. Not counted in ClinVar's aggregate classification.

NM_001164508.2(NEB):c.22904G>A (p.Gly7635Glu)

Genes: NEB (nebulin; minus strand), RIF1 (replication timing regulatory factor 1; plus strand). Cytogenetic location: 2q23.3.
Variant type: single nucleotide variant.
Coding change: c.22904G>A on transcript NM_001164508.2 (MANE Select); coding-DNA position 22904, G replaced by A.
Protein change: p.Gly7635Glu; replaces glycine 7635 with glutamic acid.
Molecular consequence: missense variant.
Genome position (GRCh38, 1-based): chr2:151,516,460, C>T on the plus strand (G>A on the coding strand, the complement: NEB is on the minus strand). VCF-style: chr2-151516460-C-T. GRCh37 (hg19) VCF-style: chr2-152372974-C-T.
Other names: c.22904G>A, p.Gly7635Glu (NM_001164507.2); c.23009G>A, p.Gly7670Glu (NM_001271208.2); c.17801G>A, p.Gly5934Glu (NM_004543.5); short protein forms G7670E, G5934E, G7635E.
Identifiers: ClinVar variation 194291 (VCV000194291.25), dbSNP rs3732309, ClinGen allele CA201099.